The following is an entry in ClinVar:

NM_000222.3(KIT):c.595A>G (p.Lys199Glu)

Gene: KIT (KIT proto-oncogene, receptor tyrosine kinase; plus strand). Cytogenetic location: 4q12.
Variant type: single nucleotide variant.
Coding change: c.595A>G on transcript NM_000222.3 (MANE Select); coding-DNA position 595, A replaced by G.
Protein change: p.Lys199Glu; replaces lysine 199 with glutamic acid.
Molecular consequence: missense variant.
Genome position (GRCh38, 1-based): chr4:54,698,541, A>G. VCF-style: chr4-54698541-A-G. GRCh37 (hg19) VCF-style: chr4-55564707-A-G.
Other names: c.595A>G, p.Lys199Glu (NM_001093772.2, NM_001385284.1, NM_001385285.1 and 4 more transcripts); short protein forms K199E.
Identifiers: ClinVar variation 2754138 (VCV002754138.3), dbSNP rs2475452700, ClinGen allele CA356898073.
Genomic context (GRCh38, chr4:54,698,541, plus strand): 5'-TACCATCGGCTCTGTCTGCATTGTTCTGTGGACCAGGAGGGCAAGTCAGTGCTGTCGGAA[A>G]AATTCATCCTGAAAGTGAGGCCAGGTACTGGCTCTTTCTTATCTGCCTCTGGGAGTTGAG-3'
Protein context (NP_000213.1, residues 189-209): DQEGKSVLSE[Lys199Glu]FILKVRPAFK

ClinVar aggregate classification (germline): Uncertain significance (1 of 4 stars; one submission).

Conditions:
Gastrointestinal stromal tumor. Also called: Gastrointestinal stromal tumor, somatic; Gastrointestinal stroma tumor. Identifiers: Orphanet 44890, MedGen C0238198, MeSH D046152, MONDO:0011719, OMIM 606764, HP:0100723.

Submission:

Labcorp Genetics (formerly Invitae), Labcorp
Classification: Uncertain significance for Gastrointestinal stromal tumor. Last evaluated: 2023-08-20. Review status: criteria provided, single submitter. Criteria: Invitae Variant Classification Sherloc (09022015). Collection method: clinical testing. Allele origin: germline.
Comment: In summary, the available evidence is currently insufficient to determine the role of this variant in disease. Therefore, it has been classified as a Variant of Uncertain Significance. An algorithm developed to predict the effect of missense changes on protein structure and function (PolyPhen-2) suggests that this variant is likely to be tolerated. This variant has not been reported in the literature in individuals affected with KIT-related conditions. This variant is not present in population databases (gnomAD no frequency). This sequence change replaces lysine, which is basic and polar, with glutamic acid, which is acidic and polar, at codon 199 of the KIT protein (p.Lys199Glu).